The following is an entry in ClinVar:

NM_001384732.1(CPLANE1):c.2231G>T (p.Trp744Leu)

Gene: CPLANE1 (ciliogenesis and planar polarity effector complex subunit 1; minus strand). Cytogenetic location: 5p13.2.
Variant type: single nucleotide variant.
Coding change: c.2231G>T on transcript NM_001384732.1 (MANE Select); coding-DNA position 2231, G replaced by T.
Protein change: p.Trp744Leu; replaces tryptophan 744 with leucine.
Molecular consequence: missense variant.
Genome position (GRCh38, 1-based): chr5:37,226,364, C>A on the plus strand (G>T on the coding strand, the complement: CPLANE1 is on the minus strand). VCF-style: chr5-37226364-C-A. GRCh37 (hg19) VCF-style: chr5-37226466-C-A.
Other names: c.2231G>T, p.Trp744Leu (NM_023073.4); short protein forms W744L.
Identifiers: ClinVar variation 1947016 (VCV001947016.2), dbSNP rs1199522555, ClinGen allele CA359494892.
Genomic context (GRCh38, chr5:37,226,364, plus strand): 5'-CTGTGTCCTGGCTGTTGCACAGGATTTACTACTTGAGGATGAATCTTGAAAAATGAGTTC[C>A]AAGACCAGTTTTTCTGAAAACCACTATCTTGAAACATCTGAAAAATAGGTACCACCAATG-3'
Protein context (NP_001371661.1, residues 734-754): QDSGFQKNWS[Trp744Leu]NSFFKIHPQV

ClinVar aggregate classification (germline): Uncertain significance (1 of 4 stars; one submission).

Allele frequency attached by ClinVar (database versions not stated): gnomAD exomes below 0.00001; gnomAD 0.00001.
gnomAD v4.1: 9 of 1,548,138 alleles (0.00058%); highest among the groups gnomAD compares: Admixed American, 0.004%; no homozygotes.

Submission:

Labcorp Genetics (formerly Invitae), Labcorp
Classification: Uncertain significance. Last evaluated: 2022-02-10. Review status: criteria provided, single submitter. Criteria: Invitae Variant Classification Sherloc (09022015). Collection method: clinical testing. Allele origin: germline.
Comment: This sequence change replaces tryptophan, which is neutral and slightly polar, with leucine, which is neutral and non-polar, at codon 744 of the CPLANE1 protein (p.Trp744Leu). This variant is not present in population databases (gnomAD no frequency). This variant has not been reported in the literature in individuals affected with CPLANE1-related conditions. Advanced modeling of protein sequence and biophysical properties (such as structural, functional, and spatial information, amino acid conservation, physicochemical variation, residue mobility, and thermodynamic stability) performed at Invitae indicates that this missense variant is not expected to disrupt CPLANE1 protein function. In summary, the available evidence is currently insufficient to determine the role of this variant in disease. Therefore, it has been classified as a Variant of Uncertain Significance.